The following is an entry in ClinVar:

ClinVar aggregate classification (germline): Uncertain significance (1 of 4 stars; one submission).

Submission:

Labcorp Genetics (formerly Invitae), Labcorp
Classification: Uncertain significance. Last evaluated: 2025-11-14. Review status: criteria provided, single submitter. Criteria: Invitae Variant Classification Sherloc (09022015). Collection method: clinical testing. Allele origin: germline.
Comment: This sequence change replaces leucine, which is neutral and non-polar, with methionine, which is neutral and non-polar, at codon 65 of the PROKR2 protein (p.Leu65Met). This variant is not present in population databases (gnomAD no frequency). This variant has not been reported in the literature in individuals affected with PROKR2-related conditions. Invitae Evidence Modeling of protein sequence and biophysical properties (such as structural, functional, and spatial information, amino acid conservation, physicochemical variation, residue mobility, and thermodynamic stability) has been performed for this missense variant. However, the output from this modeling did not meet the statistical confidence thresholds required to predict the impact of this variant on PROKR2 protein function. In summary, the available evidence is currently insufficient to determine the role of this variant in disease. Therefore, it has been classified as a Variant of Uncertain Significance.

NM_144773.4(PROKR2):c.193C>A (p.Leu65Met)

Gene: PROKR2 (prokineticin receptor 2; minus strand). Cytogenetic location: 20p12.3.
Variant type: single nucleotide variant.
Coding change: c.193C>A on transcript NM_144773.4 (MANE Select); coding-DNA position 193, C replaced by A.
Protein change: p.Leu65Met; replaces leucine 65 with methionine.
Molecular consequence: missense variant.
Genome position (GRCh38, 1-based): chr20:5,314,177, G>T on the plus strand (C>A on the coding strand, the complement: PROKR2 is on the minus strand). VCF-style: chr20-5314177-G-T. GRCh37 (hg19) VCF-style: chr20-5294823-G-T.
Other names: short protein forms L65M.
Identifiers: ClinVar variation 4739478 (VCV004739478.1).